The following is an entry in ClinVar:

NM_000264.5(PTCH1):c.3590C>G (p.Ser1197Cys)

Gene: PTCH1 (patched 1; minus strand). Cytogenetic location: 9q22.32.
Variant type: single nucleotide variant.
Coding change: c.3590C>G on transcript NM_000264.5 (MANE Select); coding-DNA position 3590, C replaced by G.
Protein change: p.Ser1197Cys; replaces serine 1197 with cysteine.
Molecular consequence: missense variant. On other transcripts: non-coding transcript variant (1).
Genome position (GRCh38, 1-based): chr9:95,449,283, G>C on the plus strand (C>G on the coding strand, the complement: PTCH1 is on the minus strand). VCF-style: chr9-95449283-G-C. GRCh37 (hg19) VCF-style: chr9-98211565-G-C.
Other names: c.3392C>G, p.Ser1131Cys (NM_001083602.3); c.3587C>G, p.Ser1196Cys (NM_001083603.3); c.3137C>G, p.Ser1046Cys (NM_001083604.3, NM_001083605.3, NM_001083606.3 and 1 more transcripts); c.3434C>G, p.Ser1145Cys (NM_001354918.2); c.3590C>G (NM_000264.4); short protein forms S1197C, S1145C, S1046C, S1131C, S1196C.
Identifiers: ClinVar variation 645085 (VCV000645085.16), dbSNP rs1588517764, ClinGen allele CA374111340.

ClinVar aggregate classification (germline): Uncertain significance. Review status: criteria provided, multiple submitters, no conflicts (2 of 4 stars). 5 submissions from 5 submitters: Uncertain significance (5). Last evaluated 2026-01-18.

Conditions:
Basal cell carcinoma, susceptibility to, 1. Also called: BCC1. Identifiers: MedGen C2751544, MONDO:0011556, OMIM 605462.
Gorlin syndrome. Also called: Basal cell nevus syndrome; Nevoid Basal Cell Carcinoma Syndrome. Identifiers: Orphanet 377, MedGen C0004779, MONDO:0007187.
Hereditary cancer-predisposing syndrome. Also called: Neoplastic Syndromes, Hereditary; Hereditary Cancer Syndrome; Hereditary neoplastic syndrome; Tumor predisposition. Identifiers: Orphanet 140162, MedGen C0027672, MeSH D009386, MONDO:0015356.

Allele frequency attached by ClinVar (database versions not stated): gnomAD exomes below 0.00001.
gnomAD v4.1: 1 of 1,560,182 alleles (0.000064%); highest among the groups gnomAD compares: Admixed American, 0.0019%; no homozygotes.

Submissions (5):

Labcorp Genetics (formerly Invitae), Labcorp
Classification: Uncertain significance for Gorlin syndrome. Last evaluated: 2026-01-18. Review status: criteria provided, single submitter. Criteria: Invitae Variant Classification Sherloc (09022015). Collection method: clinical testing. Allele origin: germline.
Comment: This sequence change replaces serine, which is neutral and polar, with cysteine, which is neutral and slightly polar, at codon 1197 of the PTCH1 protein (p.Ser1197Cys). This variant is not present in population databases (gnomAD no frequency). This variant has not been reported in the literature in individuals affected with PTCH1-related conditions. ClinVar contains an entry for this variant (Variation ID: 645085). Invitae Evidence Modeling of protein sequence and biophysical properties (such as structural, functional, and spatial information, amino acid conservation, physicochemical variation, residue mobility, and thermodynamic stability) indicates that this missense variant is not expected to disrupt PTCH1 protein function with a negative predictive value of 95%. In summary, the available evidence is currently insufficient to determine the role of this variant in disease. Therefore, it has been classified as a Variant of Uncertain Significance.

Women's Health and Genetics/Laboratory Corporation of America, LabCorp
Classification: Uncertain significance. Last evaluated: 2025-03-18. Review status: criteria provided, single submitter. Criteria: LabCorp Variant Classification Summary - May 2015. Collection method: clinical testing. Allele origin: germline.
Comment: Variant summary: PTCH1 c.3590C>G (p.Ser1197Cys) results in a non-conservative amino acid change in the encoded protein sequence. Five of five in-silico tools predict a damaging effect of the variant on protein function. The variant was absent in 164756 control chromosomes. The available data on variant occurrences in the general population are insufficient to allow any conclusion about variant significance. To our knowledge, no occurrence of c.3590C>G in individuals affected with Nevoid Basal Cell Carcinoma Syndrome (Gorlin Syndrome) and no experimental evidence demonstrating its impact on protein function have been reported. ClinVar contains an entry for this variant (Variation ID: 645085). Based on the evidence outlined above, the variant was classified as uncertain significance.

Quest Diagnostics Nichols Institute San Juan Capistrano
Classification: Uncertain significance. Last evaluated: 2025-01-03. Review status: criteria provided, single submitter. Criteria: Quest Diagnostics criteria. Collection method: clinical testing. Allele origin: unknown.
Comment: The PTCH1 c.3590C>G (p.Ser1197Cys) variant has not been reported in individuals with PTCH1-related conditions in the published literature. It also has not been reported in large, multi-ethnic general populations (Genome Aggregation Database). Analysis of this variant using bioinformatics tools for the prediction of the effect of amino acid changes on protein structure and function yielded predictions that this variant is damaging. Based on the available information, we are unable to determine the clinical significance of this variant.

Ambry Genetics
Classification: Uncertain significance for Hereditary cancer-predisposing syndrome. Last evaluated: 2024-02-17. Review status: criteria provided, single submitter. Criteria: Ambry Variant Classification Scheme 2023. Collection method: clinical testing. Allele origin: germline.
Comment: The p.S1197C variant (also known as c.3590C>G), located in coding exon 22 of the PTCH1 gene, results from a C to G substitution at nucleotide position 3590. The serine at codon 1197 is replaced by cysteine, an amino acid with dissimilar properties. This amino acid position is well conserved in available vertebrate species. In addition, the in silico prediction for this alteration is inconclusive. Since supporting evidence is limited at this time, the clinical significance of this alteration remains unclear.

Baylor Genetics
Classification: Uncertain significance for Basal cell carcinoma, susceptibility to, 1. Last evaluated: 2023-08-28. Review status: criteria provided, single submitter. Criteria: ACMG Guidelines, 2015. Collection method: clinical testing. Allele origin: unknown.